The following is an entry in ClinVar:

ClinVar aggregate classification (germline): Uncertain significance (1 of 4 stars; one submission).

gnomAD v4.1: 1 of 1,613,878 alleles (0.000062%); highest among the groups gnomAD compares: Non-Finnish European, 0.000085%; no homozygotes.

Submission:

Women's Health and Genetics/Laboratory Corporation of America, LabCorp
Classification: Uncertain significance. Last evaluated: 2024-10-21. Review status: criteria provided, single submitter. Criteria: LabCorp Variant Classification Summary - May 2015. Collection method: clinical testing. Allele origin: germline.
Comment: Variant summary: ANO10 c.1664G>C (p.Trp555Ser) results in a non-conservative amino acid change located in the Anoctamin, transmembrane domain (IPR049452) of the encoded protein sequence. Five of five in-silico tools predict a damaging effect of the variant on protein function. The variant allele was found at a frequency of 4e-06 in 251288 control chromosomes. The available data on variant occurrences in the general population are insufficient to allow any conclusion about variant significance. c.1664G>C has been reported in the literature in the presumed compound heterozygous state in at least 1 individual affected with clinical features of Spinocerebellar ataxia 10 (example, Nanetti_2019, Milovanovi_2024). These report(s) do not provide unequivocal conclusions about association of the variant with Spinocerebellar ataxia 10. To our knowledge, no experimental evidence demonstrating an impact on protein function has been reported. The following publications have been ascertained in the context of this evaluation (PMID: 38469933, 30515630). No submitters have cited clinical-significance assessments for this variant to ClinVar. Based on the evidence outlined above, the variant was classified as uncertain significance.

Literature cited by the submitters: PubMed 38469933; PubMed 30515630.

NM_018075.5(ANO10):c.1664G>C (p.Trp555Ser)

Gene: ANO10 (anoctamin 10; minus strand). Cytogenetic location: 3p22.1.
Variant type: single nucleotide variant.
Coding change: c.1664G>C on transcript NM_018075.5 (MANE Select); coding-DNA position 1664, G replaced by C.
Protein change: p.Trp555Ser; replaces tryptophan 555 with serine.
Molecular consequence: missense variant.
Genome position (GRCh38, 1-based): chr3:43,555,282, C>G on the plus strand (G>C on the coding strand, the complement: ANO10 is on the minus strand). VCF-style: chr3-43555282-C-G. GRCh37 (hg19) VCF-style: chr3-43596774-C-G.
Other names: c.1664G>C, p.Trp555Ser (NM_001204831.3, NM_001346463.2, NM_001346464.2 and 3 more transcripts); c.1466G>C, p.Trp489Ser (NM_001204832.3, NM_001346466.2, NM_001346469.2); c.1331G>C, p.Trp444Ser (NM_001204833.3); c.1094G>C, p.Trp365Ser (NM_001204834.3); short protein forms W365S, W444S, W489S, W555S.
Identifiers: ClinVar variation 3385164 (VCV003385164.1).